The following is an entry in ClinVar:

NM_000059.4(BRCA2):c.9218A>G (p.Asp3073Gly)

Gene: BRCA2 (BRCA2 DNA repair associated; plus strand). Cytogenetic location: 13q13.1.
Variant type: single nucleotide variant.
Coding change: c.9218A>G on transcript NM_000059.4 (MANE Select); coding-DNA position 9218, A replaced by G.
Protein change: p.Asp3073Gly; replaces aspartic acid 3073 with glycine.
Molecular consequence: missense variant.
Genome position (GRCh38, 1-based): chr13:32,380,107, A>G. VCF-style: chr13-32380107-A-G. GRCh37 (hg19) VCF-style: chr13-32954244-A-G.
Other names: 9446A>G; short protein forms D3073G.
Identifiers: ClinVar variation 52779 (VCV000052779.33), dbSNP rs80359186, ClinGen allele CA026037.

ClinVar aggregate classification (germline): Conflicting classifications of pathogenicity. Review status: criteria provided, conflicting classifications (1 of 4 stars). 13 submissions from 12 submitters: Likely pathogenic (6); Uncertain significance (5). 2 of the submissions do not count toward it. Last evaluated 2026-01-06.

Conditions:
BRCA2-related disorder. Also called: BRCA2-related condition; BRCA2-related disorders. Identifiers: MedGen CN239275.
Breast-ovarian cancer, familial, susceptibility to, 2 (BROVCA2). Also called: BRCA2 Hereditary Breast and Ovarian Cancer. Identifiers: Orphanet 145, MedGen C2675520, MONDO:0012933, OMIM 612555. Disease mechanism: loss of function.
Fanconi anemia complementation group D1. Also called: BRCA2-Related Fanconi Anemia. Identifiers: Orphanet 319462, MedGen C1838457, MONDO:0011584, OMIM 605724.
Medulloblastoma (MDB). Also called: MEDULLOBLASTOMA PREDISPOSITION SYNDROME; Medulloblastoma, somatic. Identifiers: Orphanet 616, MedGen C0025149, MeSH D008527, MONDO:0007959, OMIM 155255, HP:0002885.
Pancreatic cancer, susceptibility to, 2. Identifiers: Orphanet 1333, MedGen C3150546, MONDO:0013235, OMIM 613347.
Glioma susceptibility 3 (GLM3). Also called: Glioblastoma 3. Identifiers: Orphanet 182067, Orphanet 360, MedGen C2751641, MONDO:0013093, OMIM 613029.
Wilms tumor 1 (WT1). Also called: Wilms tumor, somatic. Identifiers: Orphanet 654, MedGen CN033288, MONDO:0008679, OMIM 194070.
Familial cancer of breast. Also called: hereditary breast carcinoma; BREAST CANCER, FAMILIAL; Hereditary breast cancer. Identifiers: Orphanet 227535, MedGen C0346153, MONDO:0016419, OMIM 114480. Disease mechanism: loss of function.
Prostate cancer. Also called: Malignant tumor of prostate. Identifiers: Orphanet 1331, MedGen C0376358, MONDO:0008315, HP:0012125.
Hereditary cancer-predisposing syndrome. Also called: Hereditary Cancer Syndrome; Neoplastic Syndromes, Hereditary; Hereditary neoplastic syndrome; Tumor predisposition. Identifiers: Orphanet 140162, MedGen C0027672, MeSH D009386, MONDO:0015356.
Hereditary breast ovarian cancer syndrome. Also called: Hereditary breast and ovarian cancer syndrome; Breast and ovarian cancer; Hereditary breast and ovarian cancer syndrome (HBOC); BRCA1- and BRCA2-Associated Hereditary Breast and Ovarian Cancer; Hereditary breast and/or ovarian cancer syndrome; Hereditary breast and ovarian cancer. Identifiers: Orphanet 145, MedGen C0677776, MeSH D061325, MONDO:0003582. Disease mechanism: loss of function.

Allele frequency attached by ClinVar (database versions not stated): ExAC 0.00001; gnomAD exomes below 0.00001.

Submissions (13):

Myriad Genetics, Inc.
Classification: Likely pathogenic for Breast-ovarian cancer, familial, susceptibility to, 2. Last evaluated: 2026-01-06. Review status: criteria provided, single submitter. Criteria: Myriad Autosomal Dominant, Autosomal Recessive and X-Linked Classification Criteria (2023). Collection method: clinical testing. Allele origin: unknown.
Comment: This variant is considered likely pathogenic. Functional studies indicate this variant impacts protein function [PMID: 29988080, 33293522, 23108138, 33609447, 39779848, 39779857].

Labcorp Genetics (formerly Invitae), Labcorp
Classification: Uncertain significance for Hereditary breast ovarian cancer syndrome. Last evaluated: 2025-11-18. Review status: criteria provided, single submitter. Criteria: Invitae Variant Classification Sherloc (09022015). Collection method: clinical testing. Allele origin: germline.
Comment: This sequence change replaces aspartic acid, which is acidic and polar, with glycine, which is neutral and non-polar, at codon 3073 of the BRCA2 protein (p.Asp3073Gly). This variant is present in population databases (rs80359186, gnomAD 0.0009%). This missense change has been observed in individual(s) with a family history of breast and/or ovarian cancer (PMID: 16550498). ClinVar contains an entry for this variant (Variation ID: 52779). Invitae Evidence Modeling incorporating data from in vitro experimental studies (PMID: 33609447) indicates that this missense variant is expected to disrupt BRCA2 function with a positive predictive value of 95%. Experimental studies have shown that this missense change affects BRCA2 function (PMID: 29394989, 29988080, 32444794, 33293522, 33609447). RNA analysis performed to evaluate the impact of this missense change on mRNA splicing indicates it does not significantly alter splicing (internal data). In summary, the available evidence is currently insufficient to determine the role of this variant in disease. Therefore, it has been classified as a Variant of Uncertain Significance.

Quest Diagnostics Nichols Institute San Juan Capistrano
Classification: Likely pathogenic. Last evaluated: 2025-08-05. Review status: criteria provided, single submitter. Criteria: Quest Diagnostics criteria. Collection method: clinical testing. Allele origin: unknown.
Comment: The BRCA2 c.9218A>G (p.Asp3073Gly) variant has been reported in individuals with ovarian cancer (PMID: 39115191 (2024)) or personal/family history of hereditary cancer (PMIDs: 39402389 (2024), 16550498 (2006)). Multiple functional studies indicate this variant has deleterious effects on BRCA2 protein function (PMIDs: 39779848 (2025), 33609447 (2021), 33293522 (2020), 32444794 (2020), 29988080 (2018), 29394989 (2018), 23108138 (2013)). The frequency of this variant in the general population (Genome Aggregation Database) is uninformative in the assessment of its pathogenicity. Based on the available information, this variant is classified as likely pathogenic.

Ambry Genetics
Classification: Likely pathogenic for Hereditary cancer-predisposing syndrome. Last evaluated: 2024-12-23. Review status: criteria provided, single submitter. Criteria: Ambry Variant Classification Scheme 2023. Collection method: clinical testing. Allele origin: germline.
Comment: The p.D3073G variant (also known as c.9218A>G), located in coding exon 23 of the BRCA2 gene, results from an A to G substitution at nucleotide position 9218. The aspartic acid at codon 3073 is replaced by glycine, an amino acid with similar properties. This alteration is non-functional in multiple assays including multiple homology directed DNA repair assays, a mouse embryonic stem cell survival assay, and multiple drug sensitivity assays (Ambry internal data; Mesman RLS et al. Genet Med, 2019 02;21:293-302; Biswas K et al. NPJ Genom Med, 2020 Dec;5:52; Ikegami M et al. Nat Commun, 2020 05;11:2573). This amino acid position is highly conserved on sequence alignment. This alteration is also predicted to destabilize the local structure and disrupt the protein binding ability of BRCA2 (Yang H et al. Science 2002 Sep;297:1837-48; Marston NJ et al. Mol. Cell. Biol. 1999 Jul;19:4633-42; Ambry internal data). In addition, this alteration is predicted to be deleterious by in silico analysis. Based on the majority of available evidence to date, this variant is likely to be pathogenic.

Blueprint Genetics
Classification: Likely pathogenic for BRCA2-related disorders. Last evaluated: 2024-09-16. Review status: criteria provided, single submitter. Criteria: ACMG Guidelines, 2015. Collection method: clinical testing. Allele origin: germline. Affected: yes. Observed: 3 variant alleles.

Color Diagnostics, LLC DBA Color Health
Classification: Uncertain significance for Hereditary cancer-predisposing syndrome. Last evaluated: 2024-06-13. Review status: criteria provided, single submitter. Criteria: ACMG Guidelines, 2015. Collection method: clinical testing. Allele origin: germline.
Comment: This missense variant replaces aspartic acid with glycine at codon 3073 of the BRCA2 protein. Computational prediction suggests that this variant may have deleterious impact on protein structure and function. Functional studies have shown that this variant impacts homology-directed DNA repair activity (PMID: 23108138, 29394989, 33609447) and fails to complement in mouse embryonic stem cells (PMID: 29988080, 33293522) and in human-derived cell lines (PMID: 32444794). This variant has been reported in an individual with a personal or family history of breast and/or ovarian cancer (PMID: 16550498). This variant has been identified in 1/251252 chromosomes in the general population by the Genome Aggregation Database (gnomAD). The available evidence is insufficient to determine the role of this variant in disease conclusively. Therefore, this variant is classified as a Variant of Uncertain Significance.

GeneDx
Classification: Likely pathogenic. Last evaluated: 2021-08-26. Review status: criteria provided, single submitter. Criteria: GeneDx Variant Classification Process June 2021. Collection method: clinical testing. Allele origin: germline. Affected: yes.
Comment: Published functional studies demonstrate a damaging effect: reduced HDR activity and inability to rescue cell lethality (Guidugli 2013, Guidugli 2018, Mesman 2018, Biswas 2020); Observed in individuals with personal or family history of BRCA2-related cancers (Weber 2006); Not observed at a significant frequency in large population cohorts (Lek 2016); In silico analysis supports a deleterious effect on splicing; In silico analysis supports that this missense variant does not alter protein structure/function; Also known as 9446A>G; This variant is associated with the following publications: (PMID: 29394989, 23108138, 29988080, 33293522, 12228710, 16550498, 32042831, 33609447, 29884841, 19043619, 22505045, 22632462, 24323938)

Fulgent Genetics
Classification: Uncertain significance for Familial cancer of breast; Medulloblastoma; Familial prostate cancer; Wilms tumor 1; Fanconi anemia complementation group D1; Breast-ovarian cancer, familial, susceptibility to, 2; Glioma susceptibility 3; Pancreatic cancer, susceptibility to, 2. Last evaluated: 2018-10-31. Review status: criteria provided, single submitter. Criteria: ACMG Guidelines, 2015. Collection method: clinical testing. Allele origin: unknown.

Cancer Variant Interpretation Group UK, Institute of Cancer Research, London
Classification: Likely pathogenic for Hereditary Breast and Ovarian Cancer. Last evaluated: 2018-10-09. Review status: criteria provided, single submitter. Criteria: ACMG Guidelines, 2015. Collection method: curation. Allele origin: germline.
Comment: Data used in classification: The frequency of this variant is 1/123,046 individuals (gnomAD) (PM2_mod). This variant is predicted deleterious on AlignGVGD (class: C65), SIFT (Deleterious), Polyphen2 HumVar (probably damaging) and CADD (25.4) (PP3_sup). The variant is in the DNA-binding domain of BRCA2 (PM1_sup). In the BRCA2 Homology-Directed Repair Activity assay for the DNA Binding Domain (Guidugli et al Cancer Res 2013;73:265-275,Couch Lab), the variant has a probability of pathogenicity of 1.0 (PS3_strong). Data not used in classification: There are additional reports of this variant in ClinVar (7), UMD (1), BIC (3), and BRCA2 LOVD (1).

Illumina Laboratory Services, Illumina
Classification: Uncertain significance for Fanconi anemia complementation group D1. Last evaluated: 2017-12-06. Review status: criteria provided, single submitter. Criteria: ICSL Variant Classification Criteria 13 December 2019. Collection method: clinical testing. Allele origin: germline.
Comment: This variant was observed as part of a predisposition screen in an ostensibly healthy population. A literature search was performed for the gene, cDNA change, and amino acid change (where applicable). Publications were found based on this search. However, the evidence from the literature, in combination with allele frequency data from public databases where available, was not sufficient to rule this variant in or out of causing disease. Therefore, this variant is classified as a variant of unknown significance.

Illumina Laboratory Services, Illumina
Classification: Uncertain significance for Breast-ovarian cancer, familial, susceptibility to, 2. Last evaluated: 2017-12-06. Review status: criteria provided, single submitter. Criteria: ICSL Variant Classification Criteria 13 December 2019. Collection method: clinical testing. Allele origin: germline.
Comment: the same text as in the submission from Illumina Laboratory Services, Illumina above.

Sharing Clinical Reports Project (SCRP)
Classification: Uncertain significance for Breast-ovarian cancer, familial 2. Last evaluated: 2012-12-17. Review status: no assertion criteria provided. Collection method: clinical testing. Allele origin: germline. Not counted in ClinVar's aggregate classification.

Breast Cancer Information Core (BIC) (BRCA2)
Classification: Uncertain significance for Breast-ovarian cancer, familial 2. Last evaluated: 2002-05-29. Review status: no assertion criteria provided. Collection method: clinical testing. Allele origin: germline. Affected: yes. Observed: 3 variant alleles. Not counted in ClinVar's aggregate classification.

Literature cited by the submitters: PubMed 29988080 (cited by 5 submitters); PubMed 33293522 (cited by 5 submitters); PubMed 23108138 (cited by 6 submitters); PubMed 33609447 (cited by 4 submitters); PubMed 39779848 (cited by Myriad Genetics, Inc. and Quest Diagnostics Nichols Institute San Juan Capistrano); PubMed 39779857 (cited by Myriad Genetics, Inc.); PubMed 16550498 (cited by 4 submitters); PubMed 29394989 (cited by 4 submitters); PubMed 32444794 (cited by 4 submitters); PubMed 39402389 (cited by Quest Diagnostics Nichols Institute San Juan Capistrano); PubMed 39115191 (cited by Quest Diagnostics Nichols Institute San Juan Capistrano); PubMed 19043619 (cited by Quest Diagnostics Nichols Institute San Juan Capistrano); PubMed 31853058 (cited by Quest Diagnostics Nichols Institute San Juan Capistrano); PubMed 12228710 (cited by Ambry Genetics); PubMed 22505045 (cited by Ambry Genetics); PubMed 24323938 (cited by Illumina Laboratory Services, Illumina); PubMed 3108138 (cited by Illumina Laboratory Services, Illumina).